The following is an entry in ClinVar:

NC_000023.10:g.(?_77084717)_(77131114_?)dup

Gene: MAGT1 (magnesium transporter 1; minus strand). Cytogenetic location: Xq21.1.
Variant type: Duplication.
Identifiers: ClinVar variation 1036771 (VCV001036771.6).

ClinVar aggregate classification (germline): Uncertain significance (1 of 4 stars; one submission).

Conditions:
X-linked immunodeficiency with magnesium defect, Epstein-Barr virus infection and neoplasia. Identifiers: Orphanet 317476, MedGen C3275445, MONDO:0010455, OMIM 300853.

Submission:

Labcorp Genetics (formerly Invitae), Labcorp
Classification: Uncertain significance for X-linked immunodeficiency with magnesium defect, Epstein-Barr virus infection and neoplasia. Last evaluated: 2024-01-20. Review status: criteria provided, single submitter. Criteria: Invitae Variant Classification Sherloc (09022015). Collection method: clinical testing. Allele origin: germline.
Comment: This variant results in a copy number gain of the genomic region encompassing exon(s) 2-10 of the MAGT1 gene. This region includes the termination codon of the gene. This copy number gain extends beyond the assayed region for this gene and therefore may encompass additional genes. As the precise location of this event is unknown, it may be in tandem or it may be located elsewhere in the genome. This variant has not been reported in the literature in individuals affected with MAGT1-related conditions. Experimental studies and prediction algorithms are not available or were not evaluated, and the functional significance of this variant is currently unknown. In summary, the available evidence is currently insufficient to determine the role of this variant in disease. Therefore, it has been classified as a Variant of Uncertain Significance.